The following is an entry in ClinVar:

ClinVar aggregate classification (germline): Uncertain significance (1 of 4 stars; one submission).

Submission:

Labcorp Genetics (formerly Invitae), Labcorp
Classification: Uncertain significance. Last evaluated: 2019-12-24. Review status: criteria provided, single submitter. Criteria: Invitae Variant Classification Sherloc (09022015). Collection method: clinical testing. Allele origin: germline.
Comment: In summary, the available evidence is currently insufficient to determine the role of this variant in disease. Therefore, it has been classified as a Variant of Uncertain Significance. Experimental studies and prediction algorithms are not available or were not evaluated, and the functional significance of this variant is currently unknown. This variant has not been reported in the literature in individuals with CLCN5-related conditions. This variant is not present in population databases (ExAC no frequency). This variant, c.518_535dup, results in the insertion of 6 amino acid(s) to the CLCN5 protein (p.Ser178_Gly179insValLysThrIleLeuSer), but otherwise preserves the integrity of the reading frame.

NM_001127898.4(CLCN5):c.728_745dup (p.Ser248_Gly249insValLysThrIleLeuSer)

Gene: CLCN5 (chloride voltage-gated channel 5; plus strand). Cytogenetic location: Xp11.23.
Variant type: Duplication.
Coding change: c.728_745dup on transcript NM_001127898.4 (MANE Select); coding-DNA positions 728 to 745, 18 bases duplicated (TAAAAACTATCTTGAGTG).
Protein change: p.Ser248_Gly249insValLysThrIleLeuSer.
Molecular consequence: inframe insertion.
Genome position (GRCh38, 1-based): chrX:50,081,642-50,081,659, TAAAAACTATCTTGAGTG duplicated. VCF-style (leftmost placement, unchanged base first): chrX-50081641-A-ATAAAAACTATCTTGAGTG. GRCh37 (hg19) VCF-style: chrX-49846298-A-ATAAAAACTATCTTGAGTG.
Other names: c.518_535dup, p.Ser178_Gly179insValLysThrIleLeuSer (NM_000084.5); c.728_745dup, p.Ser248_Gly249insValLysThrIleLeuSer (NM_001127899.4); c.578_595dup, p.Ser198_Gly199insValLysThrIleLeuSer (NM_001282163.2).
Identifiers: ClinVar variation 858905 (VCV000858905.9), dbSNP rs1933705521, ClinGen allele CA916083955.
Genomic context (GRCh38, chrX:50,081,641, plus strand): 5'-GCTTCTTAGCCTTGTTGACTTCCTTAGTCTATATTCAATCTTTCTGTGTTTAACCTGCAG[A>ATAAAAACTATCTTGAGTG]TAAAAACTATCTTGAGTGGTTTCATTATTAGGGGCTATTTGGGTAAGTGGACTCTGGTTA-3'